The following is an entry in ClinVar:

ClinVar aggregate classification (germline): Benign. Review status: criteria provided, multiple submitters, no conflicts (2 of 4 stars). 3 submissions from 3 submitters: Benign (3). Last evaluated 2026-01-27.

Allele frequency attached by ClinVar (database versions not stated): ExAC 0.00356; 1000 Genomes Project 0.01038; gnomAD 0.01060 and 0.01139; TOPMed 0.01214; 1000 Genomes Project 30x 0.01280; ESP Exome Variant Server 0.01287; gnomAD exomes 0.00103 and 0.00277.
gnomAD v4.1: 3,164 of 1,561,654 alleles (0.2%); highest among the groups gnomAD compares: African/African-American, 3.5%; 39 homozygotes.

Submissions (3):

Labcorp Genetics (formerly Invitae), Labcorp
Classification: Benign. Last evaluated: 2026-01-27. Review status: criteria provided, single submitter. Criteria: Invitae Variant Classification Sherloc (09022015). Collection method: clinical testing. Allele origin: germline.

GeneDx
Classification: Benign. Last evaluated: 2016-02-24. Review status: criteria provided, single submitter. Criteria: GeneDx Variant Classification (06012015). Collection method: clinical testing. Allele origin: germline. Affected: yes.
Comment: This variant is considered likely benign or benign based on one or more of the following criteria: it is a conservative change, it occurs at a poorly conserved position in the protein, it is predicted to be benign by multiple in silico algorithms, and/or has population frequency not consistent with disease.

Breakthrough Genomics
Classification: Benign. Review status: criteria provided, single submitter. Criteria: ACMG Guidelines, 2015. Collection method: not provided. Allele origin: germline. Inheritance: Autosomal recessive inheritance. Affected: yes.

NM_007208.4(MRPL3):c.886T>C (p.Leu296=)

Gene: MRPL3 (mitochondrial ribosomal protein L3; minus strand). Cytogenetic location: 3q22.1.
Variant type: single nucleotide variant.
Coding change: c.886T>C on transcript NM_007208.4 (MANE Select); coding-DNA position 886, T replaced by C.
Protein change: p.Leu296=; no amino-acid change (leucine 296 retained).
Molecular consequence: synonymous variant.
Genome position (GRCh38, 1-based): chr3:131,468,099, A>G on the plus strand (T>C on the coding strand, the complement: MRPL3 is on the minus strand). VCF-style: chr3-131468099-A-G. GRCh37 (hg19) VCF-style: chr3-131186943-A-G.
Identifiers: ClinVar variation 380562 (VCV000380562.13), dbSNP rs149305040, ClinGen allele CA2616904.
Genomic context (GRCh38, chr3:131,468,099, plus strand): 5'-GAGTAAGAAACAAAAAAAAAAAAGGAAAAAAAAAGAAGACACTTATACTTACCTTTACTA[A>G]GCAATTTTTATGTCCAGGTACAGAGCCATTTACATAGATTATGTTGTGCTTTGTGTTTAT-3'
Protein context (NP_009139.1, residues 286-306): NGSVPGHKNC[Leu296=]VKVKDSKLPA